The following is an entry in ClinVar:

ClinVar aggregate classification (germline): Uncertain significance (1 of 4 stars; one submission).

gnomAD v4.1: 3 of 1,210,205 alleles (0.00025%); highest among the groups gnomAD compares: East Asian, 0.003%; no homozygotes.

Submission:

Labcorp Genetics (formerly Invitae), Labcorp
Classification: Uncertain significance. Last evaluated: 2024-09-26. Review status: criteria provided, single submitter. Criteria: Invitae Variant Classification Sherloc (09022015). Collection method: clinical testing. Allele origin: germline.
Comment: This sequence change replaces arginine, which is basic and polar, with glutamine, which is neutral and polar, at codon 492 of the DRP2 protein (p.Arg492Gln). The frequency data for this variant in the population databases is considered unreliable, as metrics indicate poor data quality at this position in the gnomAD database. This variant has not been reported in the literature in individuals affected with DRP2-related conditions. Invitae Evidence Modeling of protein sequence and biophysical properties (such as structural, functional, and spatial information, amino acid conservation, physicochemical variation, residue mobility, and thermodynamic stability) indicates that this missense variant is expected to disrupt DRP2 protein function with a positive predictive value of 80%. In summary, the available evidence is currently insufficient to determine the role of this variant in disease. Therefore, it has been classified as a Variant of Uncertain Significance.

NM_001939.3(DRP2):c.1475G>A (p.Arg492Gln)

Gene: DRP2 (dystrophin related protein 2; plus strand). Cytogenetic location: Xq22.1.
Variant type: single nucleotide variant.
Coding change: c.1475G>A on transcript NM_001939.3 (MANE Select); coding-DNA position 1475, G replaced by A.
Protein change: p.Arg492Gln; replaces arginine 492 with glutamine.
Molecular consequence: missense variant.
Genome position (GRCh38, 1-based): chrX:101,248,534, G>A. VCF-style: chrX-101248534-G-A. GRCh37 (hg19) VCF-style: chrX-100503523-G-A.
Other names: c.1241G>A, p.Arg414Gln (NM_001171184.2); short protein forms R414Q, R492Q.
Identifiers: ClinVar variation 3620379 (VCV003620379.2).
Genomic context (GRCh38, chrX:101,248,534, plus strand): 5'-ACATACATTCATATTCTCAGTCTCTTCTTTTTAAACCTAGTGGTCGCAGCGGAAAGATGC[G>A]GGCATTGTCTTTTAAGACTGGCATTGCATGCTTGTGTGGCACGGAAGTGAAGGAAAAACT-3'
Protein context (NP_001930.2, residues 482-502): VFDSGRSGKM[Arg492Gln]ALSFKTGIAC